The following is an entry in ClinVar:

NM_001375567.1(FOCAD):c.2890C>G (p.Leu964Val)

Gene: FOCAD (focadhesin; plus strand). Cytogenetic location: 9p21.3.
Variant type: single nucleotide variant.
Coding change: c.2890C>G on transcript NM_001375567.1 (MANE Select); coding-DNA position 2890, C replaced by G.
Protein change: p.Leu964Val; replaces leucine 964 with valine.
Molecular consequence: missense variant.
Genome position (GRCh38, 1-based): chr9:20,923,697, C>G. VCF-style: chr9-20923697-C-G. GRCh37 (hg19) VCF-style: chr9-20923696-C-G.
Other names: c.2890C>G (NM_017794.4); c.2785C>G, p.Leu929Val (NM_001375568.1, NM_001375570.1); c.2890C>G, p.Leu964Val (NM_017794.5); short protein forms L964V, L929V.
Identifiers: ClinVar variation 2821172 (VCV002821172.6), dbSNP rs117748510, ClinGen allele CA5007326.

ClinVar aggregate classification (germline): Benign. Review status: criteria provided, single submitter (1 of 4 stars). 2 submissions from 2 submitters: Benign (1). 1 of the submissions does not count toward it. Last evaluated 2026-02-03.

Conditions:
FOCAD-related disorder. Also called: FOCAD-related condition.

Allele frequency attached by ClinVar (database versions not stated): ESP Exome Variant Server 0.00054; 1000 Genomes Project 30x 0.01077; 1000 Genomes Project 0.01138.
gnomAD v4.1: 4,273 of 1,614,084 alleles (0.26%); highest among the groups gnomAD compares: South Asian, 2.7%; 83 homozygotes.

Submissions (7):

Labcorp Genetics (formerly Invitae), Labcorp
Classification: Benign. Last evaluated: 2026-02-03. Review status: criteria provided, single submitter. Criteria: Invitae Variant Classification Sherloc (09022015). Collection method: clinical testing. Allele origin: germline.

PreventionGenetics, part of Exact Sciences
Classification: Benign for FOCAD-related condition. Last evaluated: 2019-05-22. Review status: no assertion criteria provided. Collection method: clinical testing. Allele origin: germline. Not counted in ClinVar's aggregate classification.
Comment: This variant is classified as benign based on ACMG/AMP sequence variant interpretation guidelines (Richards et al. 2015 PMID: 25741868, with internal and published modifications).

Dr. Peter K. Rogan Lab, Western University
No classification provided (evidence only). Condition: Clear cell carcinoma of kidney. Review status: no classification provided. Collection method: in vitro. Allele origin: not applicable. Functional consequence: skipped exon. Not counted in ClinVar's aggregate classification.

Dr. Peter K. Rogan Lab, Western University
No classification provided (evidence only). Condition: Hepatocellular carcinoma. Review status: no classification provided. Collection method: in vitro. Allele origin: not applicable. Functional consequence: retained intron. Not counted in ClinVar's aggregate classification.

Dr. Peter K. Rogan Lab, Western University
No classification provided (evidence only). Condition: Ovarian serous cystadenocarcinoma. Review status: no classification provided. Collection method: in vitro. Allele origin: not applicable. Functional consequence: retained intron. Not counted in ClinVar's aggregate classification.

Dr. Peter K. Rogan Lab, Western University
No classification provided (evidence only). Condition: Gastric cancer. Review status: no classification provided. Collection method: in vitro. Allele origin: not applicable. Functional consequence: retained intron. Not counted in ClinVar's aggregate classification.

Dr. Peter K. Rogan Lab, Western University
No classification provided (evidence only). Condition: Malignant tumor of esophagus. Review status: no classification provided. Collection method: in vitro. Allele origin: not applicable. Functional consequence: retained intron. Not counted in ClinVar's aggregate classification.